The following is an entry in ClinVar:

NM_015295.3(SMCHD1):c.823A>G (p.Lys275Glu)

Gene: SMCHD1 (structural maintenance of chromosomes flexible hinge domain containing 1; plus strand). Cytogenetic location: 18p11.32.
Variant type: single nucleotide variant.
Coding change: c.823A>G on transcript NM_015295.3 (MANE Select); coding-DNA position 823, A replaced by G.
Protein change: p.Lys275Glu; replaces lysine 275 with glutamic acid.
Molecular consequence: missense variant.
Genome position (GRCh38, 1-based): chr18:2,688,697, A>G. VCF-style: chr18-2688697-A-G. GRCh37 (hg19) VCF-style: chr18-2688695-A-G.
Other names: short protein forms K275E.
Identifiers: ClinVar variation 1720532 (VCV001720532.5), dbSNP rs2510001593, ClinGen allele CA401693542.

ClinVar aggregate classification (germline): Uncertain significance (1 of 4 stars; one submission).

Conditions:
Facioscapulohumeral muscular dystrophy 2 (FSHD2). Also called: FACIOSCAPULOHUMERAL MUSCULAR DYSTROPHY 2, DIGENIC; MUSCULAR DYSTROPHY, FACIOSCAPULOHUMERAL, TYPE 1B; FSHD2, DIGENIC. Identifiers: Orphanet 269, MedGen C1834671, MONDO:0008031, OMIM 158901.

Submission:

Labcorp Genetics (formerly Invitae), Labcorp
Classification: Uncertain significance for Facioscapulohumeral muscular dystrophy 2. Last evaluated: 2024-04-05. Review status: criteria provided, single submitter. Criteria: Invitae Variant Classification Sherloc (09022015). Collection method: clinical testing. Allele origin: germline.
Comment: This sequence change replaces lysine, which is basic and polar, with glutamic acid, which is acidic and polar, at codon 275 of the SMCHD1 protein (p.Lys275Glu). This variant is not present in population databases (gnomAD no frequency). This variant has not been reported in the literature in individuals affected with SMCHD1-related conditions. ClinVar contains an entry for this variant (Variation ID: 1720532). Advanced modeling of protein sequence and biophysical properties (such as structural, functional, and spatial information, amino acid conservation, physicochemical variation, residue mobility, and thermodynamic stability) performed at Invitae indicates that this missense variant is expected to disrupt SMCHD1 protein function with a positive predictive value of 80%. In summary, the available evidence is currently insufficient to determine the role of this variant in disease. Therefore, it has been classified as a Variant of Uncertain Significance.